The following is an entry in ClinVar:

NM_033380.3(COL4A5):c.1294G>C (p.Gly432Arg)

Gene: COL4A5 (collagen type IV alpha 5 chain; plus strand). Cytogenetic location: Xq22.3.
Variant type: single nucleotide variant.
Coding change: c.1294G>C on transcript NM_033380.3 (MANE Select); coding-DNA position 1294, G replaced by C.
Protein change: p.Gly432Arg; replaces glycine 432 with arginine.
Molecular consequence: missense variant.
Genome position (GRCh38, 1-based): chrX:108,591,186, G>C. VCF-style: chrX-108591186-G-C. GRCh37 (hg19) VCF-style: chrX-107834416-G-C.
Other names: c.1294G>C, p.Gly432Arg (NM_000495.5); short protein forms G432R.
Identifiers: ClinVar variation 3026506 (VCV003026506.22), dbSNP rs281874664, ClinGen allele CA413933023.

ClinVar aggregate classification (germline): Pathogenic (1 of 4 stars; one submission).

Submission:

CeGaT Center for Human Genetics Tuebingen
Classification: Pathogenic. Last evaluated: 2023-12-01. Review status: criteria provided, single submitter. Criteria: CeGaT Center For Human Genetics Tuebingen Variant Classification Criteria Version 2. Collection method: clinical testing. Allele origin: germline. Affected: yes. Observed: 1 variant allele.
Comment: COL4A5: PM1:Strong, PS1, PM2, PM5, PP3, PP4